The following is an entry in ClinVar:

ClinVar aggregate classification (germline): Uncertain significance. Review status: criteria provided, multiple submitters, no conflicts (2 of 4 stars). 5 submissions from 5 submitters: Uncertain significance (5). Last evaluated 2026-09-21.

Conditions:
Cardiovascular phenotype. Identifiers: MedGen CN230736.
Ehlers-Danlos syndrome, kyphoscoliotic type 1 (EDSKSCL1). Also called: Ehlers-Danlos syndrome, hydroxylysine-deficient; PLOD1-Related Kyphoscoliotic Ehlers-Danlos Syndrome; EHLERS-DANLOS SYNDROME, TYPE VIA; EHLERS-DANLOS SYNDROME, OCULAR-SCOLIOTIC TYPE. Identifiers: Orphanet 1900, MedGen C0268342, MONDO:0016002, OMIM 225400. Disease mechanism: loss of function.

Allele frequency attached by ClinVar (database versions not stated): ExAC 0.00003; gnomAD 0.00003 and 0.00004; gnomAD exomes 0.00004; TOPMed 0.00005.
gnomAD v4.1: 64 of 1,613,694 alleles (0.004%); highest among the groups gnomAD compares: Middle Eastern, 0.016%; no homozygotes.

Submissions (5):

Molecular Diagnostic Laboratory for Inherited Cardiovascular Disease, Montreal Heart Institute
Classification: Uncertain significance for Cardiovascular phenotype. Last evaluated: 2026-09-21. Review status: criteria provided, single submitter. Criteria: ACMG Guidelines, 2015. Collection method: clinical testing. Allele origin: germline. Affected: yes.
Comment: PM2, PP3, BP1

Labcorp Genetics (formerly Invitae), Labcorp
Classification: Uncertain significance for Ehlers-Danlos syndrome, kyphoscoliotic type 1. Last evaluated: 2022-08-22. Review status: criteria provided, single submitter. Criteria: Invitae Variant Classification Sherloc (09022015). Collection method: clinical testing. Allele origin: germline.
Comment: This sequence change replaces glycine, which is neutral and non-polar, with serine, which is neutral and polar, at codon 159 of the PLOD1 protein (p.Gly159Ser). This variant is present in population databases (rs772861343, gnomAD 0.007%). This variant has not been reported in the literature in individuals affected with PLOD1-related conditions. ClinVar contains an entry for this variant (Variation ID: 292282). Algorithms developed to predict the effect of missense changes on protein structure and function (SIFT, PolyPhen-2, Align-GVGD) all suggest that this variant is likely to be disruptive. In summary, the available evidence is currently insufficient to determine the role of this variant in disease. Therefore, it has been classified as a Variant of Uncertain Significance.

GeneDx
Classification: Uncertain significance. Last evaluated: 2020-10-26. Review status: criteria provided, single submitter. Criteria: GeneDx Variant Classification Process June 2021. Collection method: clinical testing. Allele origin: germline. Affected: yes.
Comment: Not observed at a significant frequency in large population cohorts (Lek et al., 2016); In silico analysis supports that this missense variant has a deleterious effect on protein structure/function; This variant is associated with the following publications: (PMID: 32214361)

CeGaT Center for Human Genetics Tuebingen
Classification: Uncertain significance. Last evaluated: 2020-01-01. Review status: criteria provided, single submitter. Criteria: CeGaT Center For Human Genetics Tuebingen Variant Classification Criteria Version 2. Collection method: clinical testing. Allele origin: germline. Affected: yes. Observed: 1 variant allele.

Illumina Laboratory Services, Illumina
Classification: Uncertain significance for Ehlers-Danlos syndrome, kyphoscoliotic type 1. Last evaluated: 2018-01-13. Review status: criteria provided, single submitter. Criteria: ICSL Variant Classification Criteria 13 December 2019. Collection method: clinical testing. Allele origin: germline.

NM_000302.4(PLOD1):c.475G>A (p.Gly159Ser)

Gene: PLOD1 (procollagen-lysine,2-oxoglutarate 5-dioxygenase 1; plus strand). Cytogenetic location: 1p36.22.
Variant type: single nucleotide variant.
Coding change: c.475G>A on transcript NM_000302.4 (MANE Select); coding-DNA position 475, G replaced by A.
Protein change: p.Gly159Ser; replaces glycine 159 with serine.
Molecular consequence: missense variant.
Genome position (GRCh38, 1-based): chr1:11,952,631, G>A. VCF-style: chr1-11952631-G-A. GRCh37 (hg19) VCF-style: chr1-12012688-G-A.
Other names: c.616G>A, p.Gly206Ser (NM_001316320.2); short protein forms G159S, G206S.
Identifiers: ClinVar variation 292282 (VCV000292282.56), dbSNP rs772861343, ClinGen allele CA597926.